The following is an entry in ClinVar:

NM_000383.4(AIRE):c.43C>T (p.Arg15Cys)

Gene: AIRE (autoimmune regulator; plus strand). Cytogenetic location: 21q22.3.
Variant type: single nucleotide variant.
Coding change: c.43C>T on transcript NM_000383.4 (MANE Select); coding-DNA position 43, C replaced by T.
Protein change: p.Arg15Cys; replaces arginine 15 with cysteine.
Molecular consequence: missense variant.
Genome position (GRCh38, 1-based): chr21:44,286,049, C>T. VCF-style: chr21-44286049-C-T. GRCh37 (hg19) VCF-style: chr21-45705932-C-T.
Other names: c.43C>T (LRG_18t1); short protein forms R15C.
Identifiers: ClinVar variation 68225 (VCV000068225.10), dbSNP rs179363875, ClinGen allele CA219205.
Genomic context (GRCh38, chr21:44,286,049, plus strand): 5'-GGTCCCCGCGCCCACCCCATGGCGACGGACGCGGCGCTACGCCGGCTTCTGAGGCTGCAC[C>T]GCACGGAGATCGCGGTGGCCGTGGACAGCGCCTTCCCACTGCTGCACGCGCTGGCTGACC-3'
Protein context (NP_000374.1, residues 5-25): AALRRLLRLH[Arg15Cys]TEIAVAVDSA

ClinVar aggregate classification (germline): Likely pathogenic. Review status: criteria provided, single submitter (1 of 4 stars). 3 submissions from 3 submitters: Likely pathogenic (1). 2 of the submissions do not count toward it. Last evaluated 2021-06-17.

Conditions:
Polyglandular autoimmune syndrome, type 1 (APS1). Also called: Autoimmune polyendocrinopathy syndrome , type I, with or without reversible metaphyseal dysplasia; HYPOADRENOCORTICISM WITH HYPOPARATHYROIDISM AND SUPERFICIAL MONILIASIS; AUTOIMMUNE POLYENDOCRINE SYNDROME, TYPE I, WITH OR WITHOUT REVERSIBLE METAPHYSEAL DYSPLASIA; APS I; Whitaker syndrome; PGA I. Identifiers: Orphanet 3453, MedGen C0085859, MONDO:0009411, OMIM 240300.

gnomAD v4.1: 3 of 1,539,970 alleles (0.00019%); highest among the groups gnomAD compares: East Asian, 0.0073%; no homozygotes.

Submissions (3):

Labcorp Genetics (formerly Invitae), Labcorp
Classification: Likely pathogenic for Polyglandular autoimmune syndrome, type 1. Last evaluated: 2021-06-17. Review status: criteria provided, single submitter. Criteria: Invitae Variant Classification Sherloc (09022015). Collection method: clinical testing. Allele origin: germline.
Comment: Advanced modeling of protein sequence and biophysical properties (such as structural, functional, and spatial information, amino acid conservation, physicochemical variation, residue mobility, and thermodynamic stability) performed at Invitae indicates that this missense variant is expected to disrupt AIRE protein function. This variant disrupts the p.Arg15 amino acid residue in AIRE. Other variant(s) that disrupt this residue have been determined to be pathogenic (PMID: 15712268, 14974083, 9837820). This suggests that this residue is clinically significant, and that variants that disrupt this residue are likely to be disease-causing. In summary, the currently available evidence indicates that the variant is pathogenic, but additional data are needed to prove that conclusively. Therefore, this variant has been classified as Likely Pathogenic. The frequency data for this variant in the population databases is considered unreliable, as metrics indicate insufficient coverage at this position in the ExAC database. This variant has been observed in individual(s) with clinical features of autosomal recessive autoimmune polyendocrinopathy syndrome (PMID: 12625412). ClinVar contains an entry for this variant (Variation ID: 68225). This sequence change replaces arginine with cysteine at codon 15 of the AIRE protein (p.Arg15Cys). The arginine residue is highly conserved and there is a large physicochemical difference between arginine and cysteine.

Counsyl
Classification: Uncertain significance for Polyglandular autoimmune syndrome, type 1. Last evaluated: 2018-02-21. Review status: no assertion criteria provided. Collection method: clinical testing. Allele origin: unknown. Not counted in ClinVar's aggregate classification.

UniProtKB/Swiss-Prot
No classification provided. Review status: no classification provided. Collection method: not provided. Allele origin: germline. Not counted in ClinVar's aggregate classification.

Literature cited by the submitters: PubMed 15712268 (cited by Labcorp Genetics (formerly Invitae), Labcorp); PubMed 14974083 (cited by Labcorp Genetics (formerly Invitae), Labcorp); PubMed 9837820 (cited by Labcorp Genetics (formerly Invitae), Labcorp); PubMed 12625412 (cited by Labcorp Genetics (formerly Invitae), Labcorp and Counsyl).